The following is an entry in ClinVar:

ClinVar aggregate classification (germline): Pathogenic (1 of 4 stars; one submission).

Conditions:
DICER1-related tumor predisposition. Also called: DICER1 syndrome; DICER1-related pleuropulmonary blastoma cancer predisposition syndrome. Identifiers: Orphanet 284343, MedGen C3839822, MONDO:0100216.

Submission:

Labcorp Genetics (formerly Invitae), Labcorp
Classification: Pathogenic for DICER1-related tumor predisposition. Last evaluated: 2020-11-24. Review status: criteria provided, single submitter. Criteria: Invitae Variant Classification Sherloc (09022015). Collection method: clinical testing. Allele origin: germline.
Comment: This variant has not been reported in the literature in individuals with DICER1-related conditions. This variant is not present in population databases (ExAC no frequency). This sequence change creates a premature translational stop signal (p.Lys1249Asnfs*9) in the DICER1 gene. It is expected to result in an absent or disrupted protein product. Loss-of-function variants in DICER1 are known to be pathogenic (PMID: 19556464, 21266384). For these reasons, this variant has been classified as Pathogenic.

Literature cited by the submitters: PubMed 19556464; PubMed 21266384.

NM_177438.3(DICER1):c.3747del (p.Lys1249fs)

Gene: DICER1 (dicer 1, ribonuclease III; minus strand). Cytogenetic location: 14q32.13.
Variant type: Deletion.
Coding change: c.3747del on transcript NM_177438.3 (MANE Select); coding-DNA position 3747, one base deleted (A; older notation c.3747delA).
Protein change: p.Lys1249fs; shifts the reading frame from lysine 1249.
Molecular consequence: frameshift variant.
Genome position (GRCh38, 1-based): chr14:95,103,649, T deleted on the plus strand (A on the coding strand, the reverse complement: DICER1 is on the minus strand); the first of 3 consecutive T bases (chr14:95,103,649-95,103,651); deleting any one gives the same sequence. VCF-style (leftmost placement, unchanged base first): chr14-95103648-AT-A. GRCh37 (hg19) VCF-style: chr14-95569985-AT-A.
Other names: c.3747del, p.Lys1249fs (NM_001195573.1, NM_001271282.3, NM_001291628.2 and 1 more transcripts); short protein forms K1249fs.
Identifiers: ClinVar variation 845108 (VCV000845108.9), dbSNP rs1891110395, ClinGen allele CA916081743.